The following is an entry in ClinVar:

NM_000434.4(NEU1):c.93dup (p.Ala32fs)

Gene: NEU1 (neuraminidase 1; minus strand). Cytogenetic location: 6p21.33.
Variant type: Duplication.
Coding change: c.93dup on transcript NM_000434.4 (MANE Select); coding-DNA position 93, one base duplicated (T; older notation c.93dupT).
Protein change: p.Ala32fs; shifts the reading frame from alanine 32.
Molecular consequence: frameshift variant.
Genome position (GRCh38, 1-based): chr6:31,862,684, A duplicated on the plus strand (T on the coding strand, the reverse complement: NEU1 is on the minus strand); the first of 3 consecutive A bases (chr6:31,862,684-31,862,686); duplicating any one gives the same sequence. VCF-style (leftmost placement, unchanged base first): chr6-31862683-C-CA. GRCh37 (hg19) VCF-style: chr6-31830460-C-CA.
Other names: short protein forms A32fs.
Identifiers: ClinVar variation 2791873 (VCV002791873.3), dbSNP rs759794043, ClinGen allele CA3725100.
Genomic context (GRCh38, chr6:31,862,683, plus strand): 5'-CGAAGTCGTTCTCAGCCTTGGACCAGGAGGCTGCCAGAGACAGCAGCAGGAAGATCGCGG[C>CA]AAACACCCAAACCCTACAGCCTCCCCAGAAGCCCAGAATCCGCGGCCCCCAGCGTCTGTC-3'

ClinVar aggregate classification (germline): Pathogenic (1 of 4 stars; one submission).

Submission:

Labcorp Genetics (formerly Invitae), Labcorp
Classification: Pathogenic. Last evaluated: 2023-11-25. Review status: criteria provided, single submitter. Criteria: Invitae Variant Classification Sherloc (09022015). Collection method: clinical testing. Allele origin: germline.
Comment: This sequence change creates a premature translational stop signal (p.Ala32Cysfs*17) in the NEU1 gene. It is expected to result in an absent or disrupted protein product. Loss-of-function variants in NEU1 are known to be pathogenic (PMID: 11063730, 14517945). This variant is present in population databases (rs759794043, gnomAD 0.0009%). This variant has not been reported in the literature in individuals affected with NEU1-related conditions. For these reasons, this variant has been classified as Pathogenic.

Literature cited by the submitters: PubMed 11063730; PubMed 14517945.